The following is an entry in ClinVar:

NM_006389.5(HYOU1):c.571G>T (p.Ala191Ser)

Gene: HYOU1 (hypoxia up-regulated 1; minus strand). Cytogenetic location: 11q23.3.
Variant type: single nucleotide variant.
Coding change: c.571G>T on transcript NM_006389.5 (MANE Select); coding-DNA position 571, G replaced by T.
Protein change: p.Ala191Ser; replaces alanine 191 with serine.
Molecular consequence: missense variant.
Genome position (GRCh38, 1-based): chr11:119,054,601, C>A on the plus strand (G>T on the coding strand, the complement: HYOU1 is on the minus strand). VCF-style: chr11-119054601-C-A. GRCh37 (hg19) VCF-style: chr11-118925313-C-A.
Other names: c.571G>T, p.Ala191Ser (NM_001130991.3); short protein forms A191S.
Identifiers: ClinVar variation 1433459 (VCV001433459.9), dbSNP rs782238412, ClinGen allele CA229648078.

ClinVar aggregate classification (germline): Uncertain significance. Review status: criteria provided, multiple submitters, no conflicts (2 of 4 stars). 2 submissions from 2 submitters: Uncertain significance (2). Last evaluated 2026-01-23.

Allele frequency attached by ClinVar (database versions not stated): gnomAD exomes below 0.00001; gnomAD 0.00001; TOPMed 0.00003.
gnomAD v4.1: 7 of 1,614,028 alleles (0.00043%); highest among the groups gnomAD compares: Admixed American, 0.01%; no homozygotes.

Submissions (2):

Women's Health and Genetics/Laboratory Corporation of America, LabCorp
Classification: Uncertain significance. Last evaluated: 2026-01-23. Review status: criteria provided, single submitter. Criteria: LabCorp Variant Classification Summary - May 2015. Collection method: clinical testing. Allele origin: germline.

Labcorp Genetics (formerly Invitae), Labcorp
Classification: Uncertain significance. Last evaluated: 2025-06-27. Review status: criteria provided, single submitter. Criteria: Invitae Variant Classification Sherloc (09022015). Collection method: clinical testing. Allele origin: germline.
Comment: This sequence change replaces alanine, which is neutral and non-polar, with serine, which is neutral and polar, at codon 191 of the HYOU1 protein (p.Ala191Ser). This variant is present in population databases (rs782238412, gnomAD 0.01%). This variant has not been reported in the literature in individuals affected with HYOU1-related conditions. ClinVar contains an entry for this variant (Variation ID: 1433459). An algorithm developed to predict the effect of missense changes on protein structure and function (PolyPhen-2) suggests that this variant is likely to be disruptive. In summary, the available evidence is currently insufficient to determine the role of this variant in disease. Therefore, it has been classified as a Variant of Uncertain Significance.